The following is an entry in ClinVar:

ClinVar aggregate classification (germline): Benign. Review status: criteria provided, multiple submitters, no conflicts (2 of 4 stars). 8 submissions from 8 submitters: Benign (5). 3 of the submissions do not count toward it. Last evaluated 2026-02-03.

Conditions:
Niemann-Pick disease, type C1. Also called: NIEMANN-PICK DISEASE, VARIANT TYPE C1; NEUROVISCERAL STORAGE DISEASE WITH VERTICAL SUPRANUCLEAR OPHTHALMOPLEGIA; NIEMANN-PICK DISEASE WITH CHOLESTEROL ESTERIFICATION BLOCK; NIEMANN-PICK DISEASE WITHOUT SPHINGOMYELINASE DEFICIENCY; NIEMANN-PICK DISEASE, CHRONIC NEURONOPATHIC FORM. Identifiers: Orphanet 646, MedGen C3179455, MONDO:0009757, OMIM 257220.

Allele frequency attached by ClinVar (database versions not stated): gnomAD exomes 0.00388; ExAC 0.00448; 1000 Genomes Project 0.01318; gnomAD 0.01390 and 0.01501; 1000 Genomes Project 30x 0.01499; TOPMed 0.01555; ESP Exome Variant Server 0.01638.
gnomAD v4.1: 4,155 of 1,613,974 alleles (0.26%); highest among the groups gnomAD compares: African/African-American, 5%; 96 homozygotes.

Submissions (8):

Labcorp Genetics (formerly Invitae), Labcorp
Classification: Benign for Niemann-Pick disease, type C1. Last evaluated: 2026-02-03. Review status: criteria provided, single submitter. Criteria: Invitae Variant Classification Sherloc (09022015). Collection method: clinical testing. Allele origin: germline.

Mayo Clinic Laboratories, Mayo Clinic
Classification: Benign. Last evaluated: 2021-10-14. Review status: criteria provided, single submitter. Criteria: ACMG Guidelines, 2015. Collection method: clinical testing. Allele origin: germline. Observed: 10 variant alleles.

GeneDx
Classification: Benign. Last evaluated: 2018-08-07. Review status: criteria provided, single submitter. Criteria: GeneDx Variant Classification Process June 2021. Collection method: clinical testing. Allele origin: germline. Affected: yes.

Illumina Laboratory Services, Illumina
Classification: Benign for Niemann-Pick disease type C1. Last evaluated: 2018-01-12. Review status: criteria provided, single submitter. Criteria: ICSL Variant Classification Criteria 13 December 2019. Collection method: clinical testing. Allele origin: germline.
Comment: This variant was observed in the ICSL laboratory as part of a predisposition screen in an ostensibly healthy population. It had not been previously curated by ICSL or reported in the Human Gene Mutation Database (HGMD: prior to June 1st, 2018), and was therefore a candidate for classification through an automated scoring system. Utilizing variant allele frequency, disease prevalence and penetrance estimates, and inheritance mode, an automated score was calculated to assess if this variant is too frequent to cause the disease. Based on the score and internal cut-off values, a variant classified as benign is not then subjected to further curation. The score for this variant resulted in a classification of benign for this disease.

Eurofins Ntd Llc (ga)
Classification: Benign. Last evaluated: 2013-04-29. Review status: criteria provided, single submitter. Criteria: EGL Classification Definitions 2015. Collection method: clinical testing. Allele origin: germline. Observed: 1 variant allele, 1 heterozygote.

Natera, Inc.
Classification: Benign for Niemann-Pick disease type C1. Last evaluated: 2020-09-16. Review status: no assertion criteria provided. Collection method: clinical testing. Allele origin: germline. Not counted in ClinVar's aggregate classification.

Clinical Genetics, Academic Medical Center
Classification: Benign. Review status: no assertion criteria provided. Collection method: clinical testing. Allele origin: germline. Affected: yes. Study: VKGL Data-share Consensus. Not counted in ClinVar's aggregate classification.

Genome Diagnostics Laboratory, Amsterdam University Medical Center
Classification: Likely benign. Review status: no assertion criteria provided. Collection method: clinical testing. Allele origin: germline. Affected: yes. Study: VKGL Data-share Consensus. Not counted in ClinVar's aggregate classification.

NM_000271.5(NPC1):c.2514+6C>T

Gene: NPC1 (NPC intracellular cholesterol transporter 1; minus strand). Cytogenetic location: 18q11.2.
Variant type: single nucleotide variant.
Coding change: c.2514+6C>T on transcript NM_000271.5 (MANE Select); 6 bases into the intron after coding-DNA position 2514, C replaced by T.
Molecular consequence: intron variant.
Genome position (GRCh38, 1-based): chr18:23,541,062, G>A on the plus strand (C>T on the coding strand, the complement: NPC1 is on the minus strand). VCF-style: chr18-23541062-G-A. GRCh37 (hg19) VCF-style: chr18-21121026-G-A.
Other names: p.?.
Identifiers: ClinVar variation 92707 (VCV000092707.25), dbSNP rs73392120, ClinGen allele CA145956.